The following is an entry in ClinVar:

NM_003183.6(ADAM17):c.1735A>C (p.Ile579Leu)

Genes: ADAM17 (ADAM metallopeptidase domain 17; minus strand), IAH1 (isoamyl acetate hydrolyzing esterase 1 (putative); plus strand). Cytogenetic location: 2p25.1.
Variant type: single nucleotide variant.
Coding change: c.1735A>C on transcript NM_003183.6 (MANE Select); coding-DNA position 1735, A replaced by C.
Protein change: p.Ile579Leu; replaces isoleucine 579 with leucine.
Molecular consequence: missense variant.
Genome position (GRCh38, 1-based): chr2:9,497,162, T>G on the plus strand (A>C on the coding strand, the complement: ADAM17 is on the minus strand). VCF-style: chr2-9497162-T-G. GRCh37 (hg19) VCF-style: chr2-9637291-T-G.
Other names: c.1075A>C, p.Ile359Leu (NM_001382777.1); c.838A>C, p.Ile280Leu (NM_001382778.1); short protein forms I280L, I359L, I579L.
Identifiers: ClinVar variation 2825180 (VCV002825180.3), dbSNP rs2531134029, ClinGen allele CA345775687.
Genomic context (GRCh38, chr2:9,497,162, plus strand): 5'-AAAACTGCTCACCATTACATGCACAGGACTCCAGCTGCTGTTCCCTCTCGCAGAAAGGGA[T>G]GCATTTCCCATCCTTACACTTGCCAAGATCCAAGCAAACAGTGTCATCTTCAGCATTTCC-3'
Protein context (NP_003174.3, residues 569-589): DLGKCKDGKC[Ile579Leu]PFCEREQQLE

ClinVar aggregate classification (germline): Uncertain significance (1 of 4 stars; one submission).

Conditions:
Inflammatory skin and bowel disease, neonatal, 1. Identifiers: Orphanet 294023, MedGen C3280501, MONDO:0013693, OMIM 614328.

Submission:

Labcorp Genetics (formerly Invitae), Labcorp
Classification: Uncertain significance for Inflammatory skin and bowel disease, neonatal, 1. Last evaluated: 2024-11-18. Review status: criteria provided, single submitter. Criteria: Invitae Variant Classification Sherloc (09022015). Collection method: clinical testing. Allele origin: germline.
Comment: This sequence change replaces isoleucine, which is neutral and non-polar, with leucine, which is neutral and non-polar, at codon 579 of the ADAM17 protein (p.Ile579Leu). This variant is not present in population databases (gnomAD no frequency). This variant has not been reported in the literature in individuals affected with ADAM17-related conditions. ClinVar contains an entry for this variant (Variation ID: 2825180). An algorithm developed to predict the effect of missense changes on protein structure and function (PolyPhen-2) suggests that this variant is likely to be tolerated. In summary, the available evidence is currently insufficient to determine the role of this variant in disease. Therefore, it has been classified as a Variant of Uncertain Significance.